The following is an entry in ClinVar:

NM_004006.3(DMD):c.4312C>T (p.Gln1438Ter)

Gene: DMD (dystrophin; minus strand). Cytogenetic location: Xp21.1.
Variant type: single nucleotide variant.
Coding change: c.4312C>T on transcript NM_004006.3 (MANE Select); coding-DNA position 4312, C replaced by T.
Protein change: p.Gln1438Ter; replaces glutamine 1438 with a stop codon.
Molecular consequence: nonsense.
Genome position (GRCh38, 1-based): chrX:32,390,103, G>A on the plus strand (C>T on the coding strand, the complement: DMD is on the minus strand). VCF-style: chrX-32390103-G-A. GRCh37 (hg19) VCF-style: chrX-32408220-G-A.
Other names: c.4288C>T, p.Gln1430Ter (NM_000109.4); c.4300C>T, p.Gln1434Ter (NM_004009.3); c.3943C>T, p.Gln1315Ter (NM_004010.3); c.289C>T, p.Gln97Ter (NM_004011.4); c.280C>T, p.Gln94Ter (NM_004012.4); short protein forms Q1438*, Q94*, Q1434*, Q1315*, Q1430*, Q97*.
Identifiers: ClinVar variation 290261 (VCV000290261.8), dbSNP rs886044402, ClinGen allele CA10606712.

ClinVar aggregate classification (germline): Pathogenic. Review status: criteria provided, multiple submitters, no conflicts (2 of 4 stars). 3 submissions from 3 submitters: Pathogenic (3). Last evaluated 2024-06-29.

Conditions:
Progressive muscular dystrophy. Identifiers: Orphanet 206644, MedGen C4551827, MONDO:0016106.
Duchenne muscular dystrophy (DMD). Also called: MUSCULAR DYSTROPHY, PSEUDOHYPERTROPHIC PROGRESSIVE, DUCHENNE TYPE; Duchenne Muscular Dystrophy (DMD). Identifiers: Orphanet 98896, MedGen C0013264, MONDO:0010679, OMIM 310200.

Submissions (3):

Labcorp Genetics (formerly Invitae), Labcorp
Classification: Pathogenic for Duchenne muscular dystrophy. Last evaluated: 2024-06-29. Review status: criteria provided, single submitter. Criteria: Invitae Variant Classification Sherloc (09022015). Collection method: clinical testing. Allele origin: germline.
Comment: This sequence change creates a premature translational stop signal (p.Gln1438*) in the DMD gene. It is expected to result in an absent or disrupted protein product. Loss-of-function variants in DMD are known to be pathogenic (PMID: 16770791, 25007885). This variant is not present in population databases (gnomAD no frequency). This variant has not been reported in the literature in individuals affected with DMD-related conditions. ClinVar contains an entry for this variant (Variation ID: 290261). For these reasons, this variant has been classified as Pathogenic.

Myriad Genetics, Inc.
Classification: Pathogenic for Progressive muscular dystrophy. Last evaluated: 2024-05-08. Review status: criteria provided, single submitter. Criteria: Myriad Autosomal Dominant, Autosomal Recessive and X-Linked Classification Criteria (2023). Collection method: clinical testing. Allele origin: unknown.
Comment: NM_004006.2(DMD):c.4312C>T(Q1438*) is expected to be pathogenic in the context of dystrophinopathy (including Duchenne/Becker muscular dystrophy). This variant is predicted to lead to an abnormal or absent protein product due to the creation of a premature termination codon in DMD, a gene where loss-of-function variants are known to be pathogenic. Please note: this variant was assessed in the context of healthy population screening.

Eurofins Ntd Llc (ga)
Classification: Pathogenic. Last evaluated: 2016-09-01. Review status: criteria provided, single submitter. Criteria: EGL Classification Definitions 2015. Collection method: clinical testing. Allele origin: germline. Observed: 1 variant allele, 1 hemizygote.

Literature cited by the submitters: PubMed 16770791 (cited by Labcorp Genetics (formerly Invitae), Labcorp); PubMed 25007885 (cited by Labcorp Genetics (formerly Invitae), Labcorp).